The following is an entry in ClinVar:

ClinVar aggregate classification (germline): Benign/Likely benign. Review status: criteria provided, multiple submitters, no conflicts (2 of 4 stars). 8 submissions from 8 submitters: Benign (3); Likely benign (4). 1 of the submissions does not count toward it. Last evaluated 2026-01-22.

Conditions:
SKI-related disorder. Also called: SKI-related condition.
Familial thoracic aortic aneurysm and aortic dissection (TAAD). Also called: Thoracic aortic aneurysms and dissections. Identifiers: Orphanet 91387, MedGen C4707243, MONDO:0019625.
Shprintzen-Goldberg syndrome (SGS). Also called: SHPRINTZEN-GOLDBERG CRANIOSYNOSTOSIS SYNDROME; CRANIOSYNOSTOSIS WITH ARACHNODACTYLY AND ABDOMINAL HERNIAS; Marfanoid disorder with craniosynostosis type 1; Marfanoid craniosynostosis syndrome; Shprintzen-Goldberg marfanoid syndrome. Identifiers: Orphanet 2462, MedGen C1321551, MONDO:0008426, OMIM 182212.

Allele frequency attached by ClinVar (database versions not stated): gnomAD exomes 0.00016 and 0.00025; ExAC 0.00032; TOPMed 0.00118; gnomAD 0.00121 and 0.00130; ESP Exome Variant Server 0.00123; 1000 Genomes Project 30x 0.00125; 1000 Genomes Project 0.00140.
gnomAD v4.1: 412 of 1,612,294 alleles (0.026%); highest among the groups gnomAD compares: African/African-American, 0.41%; no homozygotes.

Submissions (8):

Labcorp Genetics (formerly Invitae), Labcorp
Classification: Benign for Shprintzen-Goldberg syndrome. Last evaluated: 2026-01-22. Review status: criteria provided, single submitter. Criteria: Invitae Variant Classification Sherloc (09022015). Collection method: clinical testing. Allele origin: germline.

Blueprint Genetics
Classification: Likely benign. Last evaluated: 2024-05-02. Review status: criteria provided, single submitter. Criteria: ACMG Guidelines, 2015. Collection method: clinical testing. Allele origin: germline.

Women's Health and Genetics/Laboratory Corporation of America, LabCorp
Classification: Benign. Last evaluated: 2023-07-21. Review status: criteria provided, single submitter. Criteria: LabCorp Variant Classification Summary - May 2015. Collection method: clinical testing. Allele origin: germline.

CeGaT Center for Human Genetics Tuebingen
Classification: Likely benign. Last evaluated: 2023-01-01. Review status: criteria provided, single submitter. Criteria: CeGaT Center For Human Genetics Tuebingen Variant Classification Criteria Version 2. Collection method: clinical testing. Allele origin: germline. Affected: yes. Observed: 1 variant allele.
Comment: SKI: BP4, BP7

Ambry Genetics
Classification: Likely benign for Familial thoracic aortic aneurysm and aortic dissection. Last evaluated: 2016-10-13. Review status: criteria provided, single submitter. Criteria: Ambry Variant Classification Scheme 2023. Collection method: clinical testing. Allele origin: germline.

GeneDx
Classification: Benign. Last evaluated: 2015-06-18. Review status: criteria provided, single submitter. Criteria: GeneDx Variant Classification (06012015). Collection method: clinical testing. Allele origin: germline. Affected: yes.
Comment: This variant is considered likely benign or benign based on one or more of the following criteria: it is a conservative change, it occurs at a poorly conserved position in the protein, it is predicted to be benign by multiple in silico algorithms, and/or has population frequency not consistent with disease.

Breakthrough Genomics
Classification: Likely benign. Review status: criteria provided, single submitter. Criteria: ACMG Guidelines, 2015. Collection method: not provided. Allele origin: germline. Inheritance: Autosomal dominant inheritance. Affected: yes.

PreventionGenetics, part of Exact Sciences
Classification: Likely benign for SKI-related condition. Last evaluated: 2024-02-15. Review status: no assertion criteria provided. Collection method: clinical testing. Allele origin: germline. Not counted in ClinVar's aggregate classification.
Comment: This variant is classified as likely benign based on ACMG/AMP sequence variant interpretation guidelines (Richards et al. 2015 PMID: 25741868, with internal and published modifications).

NM_003036.4(SKI):c.1338C>T (p.Leu446=)

Gene: SKI (SKI proto-oncogene; plus strand). Cytogenetic location: 1p36.32.
Variant type: single nucleotide variant.
Coding change: c.1338C>T on transcript NM_003036.4 (MANE Select); coding-DNA position 1338, C replaced by T.
Protein change: p.Leu446=; no amino-acid change (leucine 446 retained).
Molecular consequence: synonymous variant.
Genome position (GRCh38, 1-based): chr1:2,303,966, C>T. VCF-style: chr1-2303966-C-T. GRCh37 (hg19) VCF-style: chr1-2235405-C-T.
Other names: p.L446L:CTC>CTT.
Identifiers: ClinVar variation 213672 (VCV000213672.43), dbSNP rs148632347, ClinGen allele CA319853.